The following is an entry in ClinVar:

NM_002709.3(PPP1CB):c.415+7G>C

Gene: PPP1CB (protein phosphatase 1 catalytic subunit beta; plus strand). Cytogenetic location: 2p23.2.
Variant type: single nucleotide variant.
Coding change: c.415+7G>C on transcript NM_002709.3 (MANE Select); 7 bases into the intron after coding-DNA position 415, G replaced by C.
Molecular consequence: intron variant.
Genome position (GRCh38, 1-based): chr2:28,779,046, G>C. VCF-style: chr2-28779046-G-C. GRCh37 (hg19) VCF-style: chr2-29001912-G-C.
Other names: c.415+7G>C (NM_206876.2, NM_206876.1).
Identifiers: ClinVar variation 1996744 (VCV001996744.6), dbSNP rs2465728213, ClinGen allele CA2580066274.

ClinVar aggregate classification (germline): Likely benign. Review status: criteria provided, single submitter (1 of 4 stars). 2 submissions from 2 submitters: Likely benign (1). 1 of the submissions does not count toward it. Last evaluated 2024-10-28.

Conditions:
PPP1CB-related disorder. Also called: PPP1CB-related condition.

Submissions (2):

Labcorp Genetics (formerly Invitae), Labcorp
Classification: Likely benign. Last evaluated: 2024-10-28. Review status: criteria provided, single submitter. Criteria: Invitae Variant Classification Sherloc (09022015). Collection method: clinical testing. Allele origin: germline.

PreventionGenetics, part of Exact Sciences
Classification: Likely benign for PPP1CB-related condition. Last evaluated: 2021-11-30. Review status: no assertion criteria provided. Collection method: clinical testing. Allele origin: germline. Not counted in ClinVar's aggregate classification.
Comment: This variant is classified as likely benign based on ACMG/AMP sequence variant interpretation guidelines (Richards et al. 2015 PMID: 25741868, with internal and published modifications).